The following is an entry in ClinVar:

ClinVar aggregate classification (germline): Uncertain significance (1 of 4 stars; one submission).

Conditions:
Ataxia-telangiectasia syndrome (AT). Also called: LOUIS-BAR SYNDROME; Cerebello-oculocutaneous telangiectasia; Immunodeficiency with ataxia telangiectasia; Ataxia telangiectasia (A-T); Ataxia-telangiectasia, complementation group D; AT, COMPLEMENTATION GROUP C. Identifiers: Orphanet 100, MedGen C0004135, MONDO:0008840, OMIM 208900.

Submission:

Labcorp Genetics (formerly Invitae), Labcorp
Classification: Uncertain significance for Ataxia-telangiectasia syndrome. Last evaluated: 2023-09-17. Review status: criteria provided, single submitter. Criteria: Invitae Variant Classification Sherloc (09022015). Collection method: clinical testing. Allele origin: germline.
Comment: In summary, the available evidence is currently insufficient to determine the role of this variant in disease. Therefore, it has been classified as a Variant of Uncertain Significance. An algorithm developed to predict the effect of missense changes on protein structure and function (PolyPhen-2) suggests that this variant is likely to be tolerated. This variant has not been reported in the literature in individuals affected with ATM-related conditions. This variant is not present in population databases (gnomAD no frequency). This sequence change replaces glutamine, which is neutral and polar, with leucine, which is neutral and non-polar, at codon 2292 of the ATM protein (p.Gln2292Leu).

NM_000051.4(ATM):c.6875A>T (p.Gln2292Leu)

Genes: ATM (ATM serine/threonine kinase; plus strand), C11orf65 (chromosome 11 open reading frame 65; minus strand). Cytogenetic location: 11q22.3.
Variant type: single nucleotide variant.
Coding change: c.6875A>T on transcript NM_000051.4 (MANE Select); coding-DNA position 6875, A replaced by T.
Protein change: p.Gln2292Leu; replaces glutamine 2292 with leucine.
Molecular consequence: missense variant. On other transcripts: intron variant (2).
Genome position (GRCh38, 1-based): chr11:108,326,125, A>T. VCF-style: chr11-108326125-A-T. GRCh37 (hg19) VCF-style: chr11-108196852-A-T.
Other names: c.641-17054T>A (NM_001330368.2); c.*38+9095T>A (NM_001351110.2); c.6875A>T, p.Gln2292Leu (NM_001351834.2); short protein forms Q2292L.
Identifiers: ClinVar variation 2761264 (VCV002761264.3), dbSNP rs2136334700, ClinGen allele CA382556798.